The following is an entry in ClinVar:

ClinVar aggregate classification (germline): Conflicting classifications of pathogenicity. Review status: criteria provided, conflicting classifications (1 of 4 stars). 4 submissions from 4 submitters: Pathogenic (2); Uncertain significance (1). 1 of the submissions does not count toward it. Last evaluated 2024-01-03.

Conditions:
Curry-Hall syndrome (WAD). Also called: WEYERS ACRODENTAL DYSOSTOSIS. Identifiers: Orphanet 952, MedGen C0457013, MONDO:0008673, OMIM 193530.
Ellis-van Creveld syndrome (EVC). Also called: EVC2-Related Ellis-van Creveld Syndrome; EVC-Related Ellis-van Creveld Syndrome; MESOECTODERMAL DYSPLASIA; Chondroectodermal dysplasia. Identifiers: Orphanet 289, MedGen C0013903, MONDO:0009162, OMIM 225500.

Allele frequency attached by ClinVar (database versions not stated): gnomAD 0.00001; gnomAD exomes 0.00001; TOPMed 0.00001.
gnomAD v4.1: 9 of 1,550,496 alleles (0.00058%); highest among the groups gnomAD compares: African/African-American, 0.0014%; no homozygotes.

Submissions (4):

Labcorp Genetics (formerly Invitae), Labcorp
Classification: Pathogenic for Curry-Hall syndrome; Ellis-van Creveld syndrome. Last evaluated: 2024-01-03. Review status: criteria provided, single submitter. Criteria: Invitae Variant Classification Sherloc (09022015). Collection method: clinical testing. Allele origin: germline.
Comment: This sequence change replaces leucine, which is neutral and non-polar, with proline, which is neutral and non-polar, at codon 623 of the EVC protein (p.Leu623Pro). This variant is present in population databases (no rsID available, gnomAD 0.002%). This missense change has been observed in individuals with clinical features of Ellis-van Creveld syndrome (PMID: 18947413, 19810119; Invitae). It has also been observed to segregate with disease in related individuals. ClinVar contains an entry for this variant (Variation ID: 553254). Advanced modeling of protein sequence and biophysical properties (such as structural, functional, and spatial information, amino acid conservation, physicochemical variation, residue mobility, and thermodynamic stability) performed at Invitae indicates that this missense variant is expected to disrupt EVC protein function with a positive predictive value of 80%. For these reasons, this variant has been classified as Pathogenic.

Women's Health and Genetics/Laboratory Corporation of America, LabCorp
Classification: Pathogenic for Ellis-van Creveld syndrome. Last evaluated: 2023-07-18. Review status: criteria provided, single submitter. Criteria: LabCorp Variant Classification Summary - May 2015. Collection method: clinical testing. Allele origin: germline.
Comment: Variant summary: EVC c.1868T>C (p.Leu623Pro) results in a non-conservative amino acid change in the encoded protein sequence. Three of five in-silico tools predict a damaging effect of the variant on protein function. The variant allele was found at a frequency of 6.4e-06 in 156316 control chromosomes (i.e., 1 heterozygote; gnomAD v2.1, Exomes dataset). The available data on variant occurrences in the general population are insufficient to allow any conclusion about variant significance. c.1868T>C has been reported in the literature in multiple homozygous individuals affected with features of Ellis-van Creveld syndrome, including limb and cardiac anomalies, and the variant has been shown to segregate with disease in related individuals (e.g., Ulucan_2008, Valencia_2009). These data indicate that the variant is very likely to be associated with disease. To our knowledge, no experimental evidence demonstrating an impact on protein function has been reported. The following publications have been ascertained in the context of this evaluation (PMID: 18947413, 19810119). Three submitters have reported clinical-significance assessments for this variant to ClinVar after 2014 with conflicting assessments: one submitter classified the variant as pathogenic, and two submitters classified it as uncertain significance. Based on the evidence outlined above, the variant was classified as pathogenic.

Baylor Genetics
Classification: Uncertain significance for Curry-Hall syndrome. Last evaluated: 2019-08-23. Review status: criteria provided, single submitter. Criteria: ACMG Guidelines, 2015. Collection method: clinical testing. Allele origin: unknown. Affected: yes.
Comment: This variant was determined to be of uncertain significance according to ACMG Guidelines, 2015 [PMID:25741868].

Counsyl
Classification: Uncertain significance for Ellis-van Creveld syndrome. Last evaluated: 2017-08-09. Review status: no assertion criteria provided. Collection method: clinical testing. Allele origin: unknown. Not counted in ClinVar's aggregate classification.

Literature cited by the submitters: PubMed 18947413 (cited by 3 submitters); PubMed 19810119 (cited by 3 submitters).

NM_153717.3(EVC):c.1868T>C (p.Leu623Pro)

Gene: EVC (EvC ciliary complex subunit 1; plus strand). Cytogenetic location: 4p16.2.
Variant type: single nucleotide variant.
Coding change: c.1868T>C on transcript NM_153717.3 (MANE Select); coding-DNA position 1868, T replaced by C.
Protein change: p.Leu623Pro; replaces leucine 623 with proline.
Molecular consequence: missense variant.
Genome position (GRCh38, 1-based): chr4:5,793,699, T>C. VCF-style: chr4-5793699-T-C. GRCh37 (hg19) VCF-style: chr4-5795426-T-C.
Other names: c.1868T>C, p.Leu623Pro (NM_001306090.2); short protein forms L623P.
Identifiers: ClinVar variation 553254 (VCV000553254.10), dbSNP rs1373632260, ClinGen allele CA356141848.